The following is an entry in ClinVar:

NM_020680.4(SCYL1):c.1097G>A (p.Arg366His)

Gene: SCYL1 (SCY1 like pseudokinase 1; plus strand). Cytogenetic location: 11q13.1.
Variant type: single nucleotide variant.
Coding change: c.1097G>A on transcript NM_020680.4 (MANE Select); coding-DNA position 1097, G replaced by A.
Protein change: p.Arg366His; replaces arginine 366 with histidine.
Molecular consequence: missense variant.
Genome position (GRCh38, 1-based): chr11:65,531,664, G>A. VCF-style: chr11-65531664-G-A. GRCh37 (hg19) VCF-style: chr11-65299135-G-A.
Other names: c.1097G>A, p.Arg366His (NM_001048218.2); c.1097G>A (NM_020680.3); short protein forms R366H.
Identifiers: ClinVar variation 1050770 (VCV001050770.8), dbSNP rs764376000, ClinGen allele CA6099699.

ClinVar aggregate classification (germline): Uncertain significance. Review status: criteria provided, multiple submitters, no conflicts (2 of 4 stars). 6 submissions from 6 submitters: Uncertain significance (5). 1 of the submissions does not count toward it. Last evaluated 2026-07-15.

Conditions:
Inborn genetic diseases. Identifiers: MedGen C0950123, MeSH D030342.
SCYL1-related disorder. Also called: SCYL1-related condition.

Allele frequency attached by ClinVar (database versions not stated): ExAC 0.00002; gnomAD exomes 0.00004 and 0.00009; gnomAD 0.00006 and 0.00007; TOPMed 0.00008.
gnomAD v4.1: 137 of 1,613,210 alleles (0.0085%); highest among the groups gnomAD compares: Non-Finnish European, 0.011%; no homozygotes.

Submissions (6):

PreventionGenetics, part of Exact Sciences
Classification: Uncertain significance for SCYL1-related condition. Last evaluated: 2026-07-15. Review status: criteria provided, single submitter. Criteria: ACMG Guidelines, 2015. Collection method: clinical testing. Allele origin: germline.
Comment: The SCYL1 c.1097G>A variant is predicted to result in the amino acid substitution p.Arg366His. To our knowledge, this variant has not been reported in the literature. This variant is reported in 0.0062% of alleles in individuals of European (non-Finnish) descent in gnomAD. At this time, the clinical significance of this variant is uncertain due to the absence of conclusive functional and genetic evidence.

Ambry Genetics
Classification: Uncertain significance for Inborn genetic diseases. Last evaluated: 2024-12-06. Review status: criteria provided, single submitter. Criteria: Ambry Variant Classification Scheme 2023. Collection method: clinical testing. Allele origin: germline.

Labcorp Genetics (formerly Invitae), Labcorp
Classification: Uncertain significance. Last evaluated: 2024-01-19. Review status: criteria provided, single submitter. Criteria: Invitae Variant Classification Sherloc (09022015). Collection method: clinical testing. Allele origin: germline.
Comment: This sequence change replaces arginine, which is basic and polar, with histidine, which is basic and polar, at codon 366 of the SCYL1 protein (p.Arg366His). This variant is present in population databases (rs764376000, gnomAD 0.006%). This variant has not been reported in the literature in individuals affected with SCYL1-related conditions. ClinVar contains an entry for this variant (Variation ID: 1050770). An algorithm developed to predict the effect of missense changes on protein structure and function (PolyPhen-2) suggests that this variant is likely to be disruptive. In summary, the available evidence is currently insufficient to determine the role of this variant in disease. Therefore, it has been classified as a Variant of Uncertain Significance.

GeneDx
Classification: Uncertain significance. Last evaluated: 2023-06-20. Review status: criteria provided, single submitter. Criteria: GeneDx Variant Classification Process June 2021. Collection method: clinical testing. Allele origin: germline. Affected: yes.
Comment: Not observed at significant frequency in large population cohorts (gnomAD); In silico analysis supports that this missense variant has a deleterious effect on protein structure/function; Has not been previously published as pathogenic or benign to our knowledge

Blueprint Genetics
Classification: Uncertain significance. Last evaluated: 2022-12-14. Review status: criteria provided, single submitter. Criteria: ACMG Guidelines, 2015. Collection method: clinical testing. Allele origin: germline.

Department of Pathology and Laboratory Medicine, Sinai Health System
Classification: Uncertain significance. Review status: no assertion criteria provided. Collection method: clinical testing. Allele origin: unknown. Affected: yes. Study: The Canadian Open Genetics Repository (COGR). Not counted in ClinVar's aggregate classification.
Comment: The SCYL1 p.Arg366His variant was not identified in the literature nor was it identified in ClinVar, Cosmic or LOVD 3.0. The variant was identified in dbSNP (ID: rs764376000) and in control databases in 9 of 249148 chromosomes at a frequency of 0.000036 (Genome Aggregation Database Feb 27, 2017). The variant was observed in the following populations: European (non-Finnish) in 7 of 112964 chromosomes (freq: 0.000062) and Latino in 2 of 34510 chromosomes (freq: 0.000058), but was not observed in the African, Ashkenazi Jewish, East Asian, European (Finnish), Other or South Asian populations. The p.Arg366 residue is not conserved in mammals and computational analyses (PolyPhen-2, SIFT, AlignGVGD, BLOSUM, MutationTaster) provide inconsistent predictions regarding the impact to the protein; this information is not very predictive of pathogenicity. The variant occurs outside of the splicing consensus sequence and in silico or computational prediction software programs (SpliceSiteFinder, MaxEntScan, NNSPLICE, GeneSplicer) do not predict a difference in splicing. In summary, based on the above information the clinical significance of this variant cannot be determined with certainty at this time. This variant is classified as a variant of uncertain significance.